The following is an entry in ClinVar:

ClinVar aggregate classification (germline): Uncertain significance (1 of 4 stars; one submission).

gnomAD v4.1: 1 of 1,613,820 alleles (0.000062%); highest among the groups gnomAD compares: South Asian, 0.0011%; no homozygotes.

Submission:

GeneDx
Classification: Uncertain significance. Last evaluated: 2026-01-14. Review status: criteria provided, single submitter. Criteria: GeneDx Variant Classification Process June 2021. Collection method: clinical testing. Allele origin: germline. Affected: yes.
Comment: Not observed at significant frequency in large population cohorts (gnomAD); In silico analysis supports that this missense variant has a deleterious effect on protein structure/function; Has not been previously published as pathogenic or benign to our knowledge

NM_207037.2(TCF12):c.398T>C (p.Leu133Pro)

Gene: TCF12 (transcription factor 12; plus strand). Cytogenetic location: 15q21.3.
Variant type: single nucleotide variant.
Coding change: c.398T>C on transcript NM_207037.2 (MANE Select); coding-DNA position 398, T replaced by C.
Protein change: p.Leu133Pro; replaces leucine 133 with proline.
Molecular consequence: missense variant. On other transcripts: 5 prime UTR variant (1).
Genome position (GRCh38, 1-based): chr15:57,192,165, T>C. VCF-style: chr15-57192165-T-C. GRCh37 (hg19) VCF-style: chr15-57484363-T-C.
Other names: c.398T>C, p.Leu133Pro (NM_001322151.2, NM_001322152.2, NM_001322157.3 and 7 more transcripts); c.-260T>C (NM_001322154.2); c.224T>C, p.Leu75Pro (NM_001322156.2, NM_001322158.2); c.434T>C, p.Leu145Pro (NM_001322164.2); short protein forms L133P, L145P, L75P.
Identifiers: ClinVar variation 1203002 (VCV001203002.5), dbSNP rs2151710598, ClinGen allele CA392580836.
Genomic context (GRCh38, chr15:57,192,165, plus strand): 5'-TTTGGGTCAGTATCAGCAGGAAAATAACTTGTTTCCTTGGCCTTATTTTATAGTCTAGTC[T>C]CCTGAGACAAGATCTGGGGCTTGGGAGCCCAGCACAGCTATCTTCTTCAGGAAAACCTGG-3'
Protein context (NP_996920.1, residues 123-143): DTGLPGCQSS[Leu133Pro]LRQDLGLGSP